The following is an entry in ClinVar:

ClinVar aggregate classification (germline): Conflicting classifications of pathogenicity. Review status: criteria provided, conflicting classifications (1 of 4 stars). 5 submissions from 5 submitters: Uncertain significance (4); Benign (1). Last evaluated 2026-07-30.

Conditions:
Hereditary cancer-predisposing syndrome. Also called: Neoplastic Syndromes, Hereditary; Hereditary Cancer Syndrome; Tumor predisposition; Hereditary neoplastic syndrome. Identifiers: Orphanet 140162, MedGen C0027672, MeSH D009386, MONDO:0015356.
Hereditary diffuse gastric adenocarcinoma (HDGC). Also called: DIFFUSE GASTRIC AND LOBULAR BREAST CANCER SYNDROME. Identifiers: Orphanet 26106, MedGen C1708349, MONDO:0007648, OMIM 137215.

Allele frequency attached by ClinVar (database versions not stated): gnomAD exomes below 0.00001; TOPMed 0.00001; gnomAD 0.00001.
gnomAD v4.1: 4 of 1,613,712 alleles (0.00025%); highest among the groups gnomAD compares: Non-Finnish European, 0.00034%; no homozygotes.

Submissions (5):

Ambry Genetics
Classification: Benign for Hereditary cancer-predisposing syndrome. Last evaluated: 2026-07-30. Review status: criteria provided, single submitter. Criteria: Ambry Variant Classification Scheme 2023. Collection method: clinical testing. Allele origin: germline.

Labcorp Genetics (formerly Invitae), Labcorp
Classification: Uncertain significance for Hereditary diffuse gastric adenocarcinoma. Last evaluated: 2025-12-31. Review status: criteria provided, single submitter. Criteria: Invitae Variant Classification Sherloc (09022015). Collection method: clinical testing. Allele origin: germline.
Comment: This sequence change replaces histidine, which is basic and polar, with arginine, which is basic and polar, at codon 123 of the CDH1 protein (p.His123Arg). This variant is not present in population databases (gnomAD no frequency). This variant has not been reported in the literature in individuals affected with CDH1-related conditions. ClinVar contains an entry for this variant (Variation ID: 186228). An algorithm developed to predict the effect of missense changes on protein structure and function outputs the following: PolyPhen-2: "Benign". The arginine amino acid residue is found in multiple mammalian species, which suggests that this missense change does not adversely affect protein function. In summary, the available evidence is currently insufficient to determine the role of this variant in disease. Therefore, it has been classified as a Variant of Uncertain Significance.

GeneDx
Classification: Uncertain significance. Last evaluated: 2023-05-05. Review status: criteria provided, single submitter. Criteria: GeneDx Variant Classification Process June 2021. Collection method: clinical testing. Allele origin: germline. Affected: yes.
Comment: Not observed at significant frequency in large population cohorts (gnomAD); In silico analysis supports that this missense variant does not alter protein structure/function; Has not been previously published as pathogenic or benign to our knowledge; This variant is associated with the following publications: (PMID: 15235021)

Institute for Clinical Genetics, University Hospital TU Dresden, University Hospital TU Dresden
Classification: Uncertain significance. Last evaluated: 2021-11-03. Review status: criteria provided, single submitter. Criteria: ACMG Guidelines, 2015. Collection method: clinical testing. Allele origin: germline.

Color Diagnostics, LLC DBA Color Health
Classification: Uncertain significance for Hereditary cancer-predisposing syndrome. Last evaluated: 2021-02-16. Review status: criteria provided, single submitter. Criteria: ACMG Guidelines, 2015. Collection method: clinical testing. Allele origin: germline.
Comment: This missense variant replaces histidine with arginine at codon 123 of the CDH1 protein. To our knowledge, functional studies have not been reported for this variant. This variant has not been reported in individuals affected with hereditary cancer in the literature. This variant has not been identified in the general population by the Genome Aggregation Database (gnomAD). The available evidence is insufficient to determine the role of this variant in disease conclusively. Therefore, this variant is classified as a Variant of Uncertain Significance.

NM_004360.5(CDH1):c.368A>G (p.His123Arg)

Gene: CDH1 (cadherin 1; plus strand). Cytogenetic location: 16q22.1.
Variant type: single nucleotide variant.
Coding change: c.368A>G on transcript NM_004360.5 (MANE Select); coding-DNA position 368, A replaced by G.
Protein change: p.His123Arg; replaces histidine 123 with arginine.
Molecular consequence: missense variant. On other transcripts: 5 prime UTR variant (2).
Genome position (GRCh38, 1-based): chr16:68,801,874, A>G. VCF-style: chr16-68801874-A-G. GRCh37 (hg19) VCF-style: chr16-68835777-A-G.
Other names: c.368A>G, p.His123Arg (NM_001317184.2); c.-1248A>G (NM_001317185.2); c.-1452A>G (NM_001317186.2); c.368A>G (LRG_301t1); short protein forms H123R.
Identifiers: ClinVar variation 186228 (VCV000186228.24), dbSNP rs786202794, ClinGen allele CA194196.